The following is an entry in ClinVar:

ClinVar aggregate classification (germline): Likely benign (1 of 4 stars; one submission).

Allele frequency attached by ClinVar (database versions not stated): 1000 Genomes Project 0.00479; 1000 Genomes Project 30x 0.00531; gnomAD 0.00393 and 0.00421; TOPMed 0.00436.
gnomAD v4.1: 598 of 152,262 alleles (0.39%); highest among the groups gnomAD compares: African/African-American, 1.3%; 7 homozygotes.

Submission:

GeneDx
Classification: Likely benign. Last evaluated: 2018-06-16. Review status: criteria provided, single submitter. Criteria: GeneDx Variant Classification (06012015). Collection method: clinical testing. Allele origin: germline. Affected: yes.
Comment: This variant is considered likely benign or benign based on one or more of the following criteria: it is a conservative change, it occurs at a poorly conserved position in the protein, it is predicted to be benign by multiple in silico algorithms, and/or has population frequency not consistent with disease.

NM_017775.3(TTC19):c.-621G>C

Genes: TTC19 (tetratricopeptide repeat domain 19; plus strand), ZSWIM7 (zinc finger SWIM-type containing 7; minus strand). Cytogenetic location: 17p12.
Variant type: single nucleotide variant.
Coding change: c.-621G>C on transcript NM_017775.3; 621 bases upstream of the start codon, G replaced by C.
Molecular consequence: intron variant (on NM_001042697.2).
Genome position (GRCh38, 1-based): chr17:15,999,228, G>C. VCF-style: chr17-15999228-G-C. GRCh37 (hg19) VCF-style: chr17-15902542-G-C.
Other names: c.76+291C>G (NM_001042698.2, NM_001042697.2).
Identifiers: ClinVar variation 673801 (VCV000673801.3), dbSNP rs115974660, ClinGen allele CA288187605.
Genomic context (GRCh38, chr17:15,999,228, plus strand): 5'-ATCACTCACTGTAGGCTCCCGTCCCTTCCACCCCCGGGCGGGGACCCCTCCCAGCGACCC[G>C]GCCAGCTCTCAGCACTTCGGTCCCCACTGGCCTACTCGCTCCGACGGAGGGGCTCCTGCA-3'